The following is an entry in ClinVar:

ClinVar aggregate classification (germline): Uncertain significance. Review status: criteria provided, multiple submitters, no conflicts (2 of 4 stars). 2 submissions from 2 submitters: Uncertain significance (2). Last evaluated 2025-08-31.

Conditions:
Inborn genetic diseases. Identifiers: MedGen C0950123, MeSH D030342.

Allele frequency attached by ClinVar (database versions not stated): gnomAD 0.00001; TOPMed 0.00001; ExAC 0.00004; 1000 Genomes Project 30x 0.00016; 1000 Genomes Project 0.00020.
gnomAD v4.1: 51 of 1,614,232 alleles (0.0032%); highest among the groups gnomAD compares: South Asian, 0.053%; no homozygotes.

Submissions (2):

Ambry Genetics
Classification: Uncertain significance for Inborn genetic diseases. Last evaluated: 2025-08-31. Review status: criteria provided, single submitter. Criteria: Ambry Variant Classification Scheme 2023. Collection method: clinical testing. Allele origin: germline.

Labcorp Genetics (formerly Invitae), Labcorp
Classification: Uncertain significance. Last evaluated: 2022-05-05. Review status: criteria provided, single submitter. Criteria: Invitae Variant Classification Sherloc (09022015). Collection method: clinical testing. Allele origin: germline.
Comment: This sequence change replaces glutamic acid, which is acidic and polar, with glutamine, which is neutral and polar, at codon 270 of the MDH2 protein (p.Glu270Gln). In summary, the available evidence is currently insufficient to determine the role of this variant in disease. Therefore, it has been classified as a Variant of Uncertain Significance. Algorithms developed to predict the effect of missense changes on protein structure and function (SIFT, PolyPhen-2, Align-GVGD) all suggest that this variant is likely to be tolerated. This variant has not been reported in the literature in individuals affected with MDH2-related conditions. This variant is present in population databases (rs536644108, gnomAD 0.05%).

NM_005918.4(MDH2):c.808G>C (p.Glu270Gln)

Gene: MDH2 (malate dehydrogenase 2; plus strand). Cytogenetic location: 7q11.23.
Variant type: single nucleotide variant.
Coding change: c.808G>C on transcript NM_005918.4 (MANE Select); coding-DNA position 808, G replaced by C.
Protein change: p.Glu270Gln; replaces glutamic acid 270 with glutamine.
Molecular consequence: missense variant.
Genome position (GRCh38, 1-based): chr7:76,064,876, G>C. VCF-style: chr7-76064876-G-C. GRCh37 (hg19) VCF-style: chr7-75694194-G-C.
Other names: c.682G>C, p.Glu228Gln (NM_001282403.2); c.487G>C, p.Glu163Gln (NM_001282404.2); short protein forms E163Q, E228Q, E270Q.
Identifiers: ClinVar variation 1761945 (VCV001761945.8), dbSNP rs536644108, ClinGen allele CA4305717.